The following is an entry in ClinVar:

ClinVar aggregate classification (germline): Pathogenic/Likely pathogenic. Review status: criteria provided, multiple submitters, no conflicts (2 of 4 stars). 3 submissions from 3 submitters: Pathogenic (2); Likely pathogenic (1). Last evaluated 2024-04-16.

Conditions:
MYH9-related disorder. Identifiers: MedGen C1854520.
Macrothrombocytopenia and granulocyte inclusions with or without nephritis or sensorineural hearing loss (MATINS). Also called: DOHLE LEUKOCYTE INCLUSIONS WITH GIANT PLATELETS; BLEEDING DISORDER, PLATELET-TYPE, 6; MYH9-Related Disease (MYH9-RD); MACROTHROMBOCYTOPENIA WITH LEUKOCYTE INCLUSIONS; MAY-HEGGLIN ANOMALY; SEBASTIAN PLATELET SYNDROME. Identifiers: Orphanet 182050, MedGen C5200934, MONDO:0015912, OMIM 155100.

Submissions (3):

Labcorp Genetics (formerly Invitae), Labcorp
Classification: Pathogenic. Last evaluated: 2024-04-16. Review status: criteria provided, single submitter. Criteria: Invitae Variant Classification Sherloc (09022015). Collection method: clinical testing. Allele origin: germline.
Comment: This sequence change replaces alanine, which is neutral and non-polar, with threonine, which is neutral and polar, at codon 95 of the MYH9 protein (p.Ala95Thr). This variant is not present in population databases (gnomAD no frequency). This missense change has been observed in individual(s) with MYH9-related disorders (PMID: 11776386, 25703294, 31888422). In at least one individual the variant was observed to be de novo. ClinVar contains an entry for this variant (Variation ID: 623106). Advanced modeling of protein sequence and biophysical properties (such as structural, functional, and spatial information, amino acid conservation, physicochemical variation, residue mobility, and thermodynamic stability) performed at Invitae indicates that this missense variant is expected to disrupt MYH9 protein function with a positive predictive value of 80%. For these reasons, this variant has been classified as Pathogenic.

NIHR Bioresource Rare Diseases, University of Cambridge
Classification: Pathogenic for MYH9-related disorder. Last evaluated: 2018-12-12. Review status: criteria provided, single submitter. Criteria: ACMG Guidelines, 2015. Collection method: research. Allele origin: unknown. Inheritance: Autosomal dominant inheritance. Affected: yes. Observed: 1 heterozygote.
Comment: PS4, PM6, PM2, PM1, PP3

ISTH-SSC Genomics in Thrombosis and Hemostasis, KU Leuven, Center for Molecular and Vascular Biology
Classification: Likely pathogenic for Macrothrombocytopenia and granulocyte inclusions with or without nephritis or sensorineural hearing loss. Review status: criteria provided, single submitter. Criteria: ACMG Guidelines, 2015. Collection method: clinical testing. Allele origin: unknown. Affected: yes. Observed: 2 heterozygotes. Clinical features observed: Severe macrothrombocytopenia, Döhle body-like inclusions.
Comment: GoldVariant submitters: Dr Karyn Mégy, NIHR Bioresource - Cambridge University, UK and Marie-Christine Morel-Kopp, Northern Blood Research Centre, Sydney, Australia

Literature cited by the submitters: PubMed 11776386 (cited by Labcorp Genetics (formerly Invitae), Labcorp); PubMed 25703294 (cited by Labcorp Genetics (formerly Invitae), Labcorp); PubMed 31888422 (cited by Labcorp Genetics (formerly Invitae), Labcorp); PubMed 34355501 (cited by ISTH-SSC Genomics in Thrombosis and Hemostasis, KU Leuven, Center for Molecular and Vascular Biology); PubMed 29090586 (cited by ISTH-SSC Genomics in Thrombosis and Hemostasis, KU Leuven, Center for Molecular and Vascular Biology).

NM_002473.6(MYH9):c.283G>A (p.Ala95Thr)

Gene: MYH9 (myosin heavy chain 9; minus strand). Cytogenetic location: 22q12.3.
Variant type: single nucleotide variant.
Coding change: c.283G>A on transcript NM_002473.6 (MANE Select); coding-DNA position 283, G replaced by A.
Protein change: p.Ala95Thr; replaces alanine 95 with threonine.
Molecular consequence: missense variant.
Genome position (GRCh38, 1-based): chr22:36,348,954, C>T on the plus strand (G>A on the coding strand, the complement: MYH9 is on the minus strand). VCF-style: chr22-36348954-C-T. GRCh37 (hg19) VCF-style: chr22-36744999-C-T.
Other names: short protein forms A95T.
Identifiers: ClinVar variation 623106 (VCV000623106.6), dbSNP rs1603484047, ClinGen allele CA411549126.